The following is an entry in ClinVar:

ClinVar aggregate classification (germline): Uncertain significance (1 of 4 stars; one submission).

Submission:

Labcorp Genetics (formerly Invitae), Labcorp
Classification: Uncertain significance. Last evaluated: 2024-12-02. Review status: criteria provided, single submitter. Criteria: Invitae Variant Classification Sherloc (09022015). Collection method: clinical testing. Allele origin: germline.
Comment: This sequence change replaces cysteine, which is neutral and slightly polar, with phenylalanine, which is neutral and non-polar, at codon 1704 of the RP1 protein (p.Cys1704Phe). This variant is not present in population databases (gnomAD no frequency). This variant has not been reported in the literature in individuals affected with RP1-related conditions. ClinVar contains an entry for this variant (Variation ID: 2120566). An algorithm developed to predict the effect of missense changes on protein structure and function (PolyPhen-2) suggests that this variant is likely to be tolerated. In summary, the available evidence is currently insufficient to determine the role of this variant in disease. Therefore, it has been classified as a Variant of Uncertain Significance.

NM_006269.2(RP1):c.5111G>T (p.Cys1704Phe)

Genes: RP1 (RP1 axonemal microtubule associated; plus strand), LOC126860392 (CDK7 strongly-dependent group 2 enhancer GRCh37_chr8:55541319-55542518; plus strand). Cytogenetic location: 8q12.1.
Variant type: single nucleotide variant.
Coding change: c.5111G>T on transcript NM_006269.2 (MANE Select); coding-DNA position 5111, G replaced by T.
Protein change: p.Cys1704Phe; replaces cysteine 1704 with phenylalanine.
Molecular consequence: missense variant. On other transcripts: intron variant (1).
Genome position (GRCh38, 1-based): chr8:54,628,993, G>T. VCF-style: chr8-54628993-G-T. GRCh37 (hg19) VCF-style: chr8-55541553-G-T.
Other names: c.787+6705G>T (NM_001375654.1); short protein forms C1704F.
Identifiers: ClinVar variation 2120566 (VCV002120566.4), dbSNP rs1256893541, ClinGen allele CA370984880.